The following is an entry in ClinVar:

ClinVar aggregate classification (germline): Benign. Review status: criteria provided, single submitter (1 of 4 stars). 2 submissions from 1 submitter: Benign (2). Last evaluated 2018-01-13.

Conditions:
Surfactant metabolism dysfunction, pulmonary, 2 (SMDP2). Also called: DESQUAMATIVE INTERSTITIAL PNEUMONITIS DUE TO SURFACTANT PROTEIN C DEFICIENCY; INTERSTITIAL LUNG DISEASE DUE TO SURFACTANT PROTEIN C DEFICIENCY; PULMONARY ALVEOLAR PROTEINOSIS, CONGENITAL, 2. Identifiers: Orphanet 440392, MedGen C1970470, MONDO:0024465, OMIM 610913.
Interstitial lung disease 2 (ILD2). Also called: FIBROCYSTIC PULMONARY DYSPLASIA; FIBROSING ALVEOLITIS, CRYPTOGENIC; Familial idiopathic pulmonary fibrosis. Identifiers: Orphanet 2032, Orphanet 79126, MedGen C5561926, MONDO:0800497, OMIM 178500, MONDO:0800029.

Allele frequency attached by ClinVar (database versions not stated): TOPMed 0.00018; ExAC 0.00033; 1000 Genomes Project 30x 0.00172; gnomAD 0.00011 and 0.00017; gnomAD exomes 0.00035; 1000 Genomes Project 0.00180.
gnomAD v4.1: 184 of 1,611,616 alleles (0.011%); highest among the groups gnomAD compares: East Asian, 0.3%; no homozygotes.

Submissions (2):

Illumina Laboratory Services, Illumina
Classification: Benign for Surfactant metabolism dysfunction, pulmonary, 2. Last evaluated: 2018-01-13. Review status: criteria provided, single submitter. Criteria: ICSL Variant Classification Criteria 13 December 2019. Collection method: clinical testing. Allele origin: germline.
Comment: This variant was observed in the ICSL laboratory as part of a predisposition screen in an ostensibly healthy population. It had not been previously curated by ICSL or reported in the Human Gene Mutation Database (HGMD: prior to June 1st, 2018), and was therefore a candidate for classification through an automated scoring system. Utilizing variant allele frequency, disease prevalence and penetrance estimates, and inheritance mode, an automated score was calculated to assess if this variant is too frequent to cause the disease. Based on the score and internal cut-off values, a variant classified as benign is not then subjected to further curation. The score for this variant resulted in a classification of benign for this disease.

Illumina Laboratory Services, Illumina
Classification: Benign for Idiopathic fibrosing alveolitis, chronic form. Last evaluated: 2018-01-13. Review status: criteria provided, single submitter. Criteria: ICSL Variant Classification Criteria 13 December 2019. Collection method: clinical testing. Allele origin: germline.
Comment: the same text as in the submission from Illumina Laboratory Services, Illumina above.

NM_001317778.2(SFTPC):c.18+12G>A

Gene: SFTPC (surfactant protein C; plus strand). Cytogenetic location: 8p21.3.
Variant type: single nucleotide variant.
Coding change: c.18+12G>A on transcript NM_001317778.2 (MANE Select); 12 bases into the intron after coding-DNA position 18, G replaced by A.
Molecular consequence: intron variant. On other transcripts: 3 prime UTR variant (1).
Genome position (GRCh38, 1-based): chr8:22,164,071, G>A. VCF-style: chr8-22164071-G-A. GRCh37 (hg19) VCF-style: chr8-22021584-G-A.
Other names: c.*30G>A (NM_001172357.2); c.18+12G>A (NM_003018.4, NM_001317779.2); c.10+20G>A (NM_001172410.2, NM_001317780.2).
Identifiers: ClinVar variation 362565 (VCV000362565.5), dbSNP rs202194863, ClinGen allele CA4664091.